The following is an entry in ClinVar:

ClinVar aggregate classification (germline): Likely benign (0 of 4 stars; one submission).

Conditions:
KLC2-related disorder. Also called: KLC2-related condition.

Allele frequency attached by ClinVar (database versions not stated): ExAC 0.00001; gnomAD exomes 0.00002; gnomAD 0.00003; TOPMed 0.00003; ESP Exome Variant Server 0.00008.
gnomAD v4.1: 26 of 1,613,606 alleles (0.0016%); highest among the groups gnomAD compares: Non-Finnish European, 0.0022%; no homozygotes.

Submission:

PreventionGenetics, part of Exact Sciences
Classification: Likely benign for KLC2-related condition. Last evaluated: 2019-07-15. Review status: no assertion criteria provided. Collection method: clinical testing. Allele origin: germline.
Comment: This variant is classified as likely benign based on ACMG/AMP sequence variant interpretation guidelines (Richards et al. 2015 PMID: 25741868, with internal and published modifications).

NM_001318734.2(KLC2):c.1161C>T (p.Thr387=)

Genes: KLC2 (kinesin light chain 2; plus strand), KLC2-AS1 (KLC2 antisense RNA 1; minus strand). Cytogenetic location: 11q13.2.
Variant type: single nucleotide variant.
Coding change: c.1161C>T on transcript NM_001318734.2 (MANE Select); coding-DNA position 1161, C replaced by T.
Protein change: p.Thr387=; no amino-acid change (threonine 387 retained).
Molecular consequence: synonymous variant.
Genome position (GRCh38, 1-based): chr11:66,264,389, C>T. VCF-style: chr11-66264389-C-T. GRCh37 (hg19) VCF-style: chr11-66031860-C-T.
Other names: c.930C>T, p.Thr310= (NM_001134774.2); c.1161C>T, p.Thr387= (NM_001134775.2, NM_001134776.2, NM_022822.3).
Identifiers: ClinVar variation 3050675 (VCV003050675.2), dbSNP rs377530340, ClinGen allele CA6117315.